The following is an entry in ClinVar:

NM_000268.4(NF2):c.115-17T>G

Gene: NF2 (NF2, moesin-ezrin-radixin like (MERLIN) tumor suppressor; plus strand). Cytogenetic location: 22q12.2.
Variant type: single nucleotide variant.
Coding change: c.115-17T>G on transcript NM_000268.4 (MANE Select); 17 bases into the intron before coding-DNA position 115, T replaced by G.
Molecular consequence: intron variant.
Genome position (GRCh38, 1-based): chr22:29,636,734, T>G. VCF-style: chr22-29636734-T-G. GRCh37 (hg19) VCF-style: chr22-30032723-T-G.
Other names: c.115-17T>G (NM_016418.5, NM_181832.3, NM_001407060.1 and 9 more transcripts); c.1-17T>G (NM_001407056.1, NM_001407053.1); c.-142-17T>G (NM_001407067.1); c.-526-17T>G (NM_001407065.1); c.115-2356T>G (NM_181828.3, NM_001407055.1); c.115-5468T>G (NM_001407063.1, NM_181830.3, NM_001407064.1 and 1 more transcripts).
Identifiers: ClinVar variation 2838669 (VCV002838669.3), dbSNP rs2146851116, ClinGen allele CA2738085657.

ClinVar aggregate classification (germline): Uncertain significance (1 of 4 stars; one submission).

Conditions:
Neurofibromatosis, type 2 (SWNV). Also called: BILATERAL ACOUSTIC NEUROFIBROMATOSIS; NF2-Related Schwannomatosis; SCHWANNOMATOSIS, VESTIBULAR. Identifiers: Orphanet 637, MedGen C0027832, MONDO:0007039, OMIM 101000. Disease mechanism: loss of function.

Submission:

Labcorp Genetics (formerly Invitae), Labcorp
Classification: Uncertain significance for Neurofibromatosis, type 2. Last evaluated: 2023-03-29. Review status: criteria provided, single submitter. Criteria: Invitae Variant Classification Sherloc (09022015). Collection method: clinical testing. Allele origin: germline.
Comment: In summary, the available evidence is currently insufficient to determine the role of this variant in disease. Therefore, it has been classified as a Variant of Uncertain Significance. Algorithms developed to predict the effect of sequence changes on RNA splicing suggest that this variant may disrupt the consensus splice site. This variant has not been reported in the literature in individuals affected with NF2-related conditions. This variant is not present in population databases (gnomAD no frequency). This sequence change falls in intron 1 of the NF2 gene. It does not directly change the encoded amino acid sequence of the NF2 protein.